The following is an entry in ClinVar:

NM_000179.3(MSH6):c.668A>C (p.Asn223Thr)

Gene: MSH6 (mutS homolog 6; plus strand). Cytogenetic location: 2p16.3.
Variant type: single nucleotide variant.
Coding change: c.668A>C on transcript NM_000179.3 (MANE Select); coding-DNA position 668, A replaced by C.
Protein change: p.Asn223Thr; replaces asparagine 223 with threonine.
Molecular consequence: missense variant. On other transcripts: 5 prime UTR variant (9), non-coding transcript variant (4), intron variant (1).
Genome position (GRCh38, 1-based): chr2:47,798,651, A>C. VCF-style: chr2-47798651-A-C. GRCh37 (hg19) VCF-style: chr2-48025790-A-C.
Other names: c.278A>C, p.Asn93Thr (NM_001281492.2); c.-239A>C (NM_001281493.2, NM_001281494.2, NM_001406811.1 and 6 more transcripts); c.764A>C, p.Asn255Thr (NM_001406795.1, NM_001406802.1); c.668A>C, p.Asn223Thr (NM_001406796.1, NM_001406798.1, NM_001406800.1 and 4 more transcripts); c.371A>C, p.Asn124Thr (NM_001406797.1, NM_001406801.1, NM_001406805.1 and 10 more transcripts); c.143A>C, p.Asn48Thr (NM_001406799.1, NM_001406806.1, NM_001406807.1); c.590A>C, p.Asn197Thr (NM_001406804.1); c.674A>C, p.Asn225Thr (NM_001406813.1); and 2 more; short protein forms N124T, N167T, N197T, N223T, N225T, N255T, N48T, N93T.
Identifiers: ClinVar variation 2676806 (VCV002676806.4), dbSNP rs587779316, ClinGen allele CA346739403.

ClinVar aggregate classification (germline): Uncertain significance. Review status: criteria provided, multiple submitters, no conflicts (2 of 4 stars). 2 submissions from 2 submitters: Uncertain significance (2). Last evaluated 2023-12-19.

Conditions:
Endometrial carcinoma. Also called: Endometrial carcinoma, somatic. Identifiers: MedGen C0476089, MONDO:0002447, OMIM 608089, HP:0012114.
Hereditary nonpolyposis colorectal neoplasms. Identifiers: MedGen C0009405, MeSH D003123.

Submissions (2):

Labcorp Genetics (formerly Invitae), Labcorp
Classification: Uncertain significance for Hereditary nonpolyposis colorectal neoplasms. Last evaluated: 2023-12-19. Review status: criteria provided, single submitter. Criteria: Invitae Variant Classification Sherloc (09022015). Collection method: clinical testing. Allele origin: germline.
Comment: This sequence change replaces asparagine, which is neutral and polar, with threonine, which is neutral and polar, at codon 223 of the MSH6 protein (p.Asn223Thr). This variant is not present in population databases (gnomAD no frequency). This variant has not been reported in the literature in individuals affected with MSH6-related conditions. Advanced modeling of protein sequence and biophysical properties (such as structural, functional, and spatial information, amino acid conservation, physicochemical variation, residue mobility, and thermodynamic stability) performed at Invitae indicates that this missense variant is not expected to disrupt MSH6 protein function with a negative predictive value of 95%. In summary, the available evidence is currently insufficient to determine the role of this variant in disease. Therefore, it has been classified as a Variant of Uncertain Significance.

Baylor Genetics
Classification: Uncertain significance for Endometrial carcinoma. Last evaluated: 2023-07-03. Review status: criteria provided, single submitter. Criteria: ACMG Guidelines, 2015. Collection method: clinical testing. Allele origin: unknown.